The following is an entry in ClinVar:

NM_001009944.3(PKD1):c.5885A>C (p.Gln1962Pro)

Gene: PKD1 (polycystin 1, transient receptor potential channel interacting; minus strand). Cytogenetic location: 16p13.3.
Variant type: single nucleotide variant.
Coding change: c.5885A>C on transcript NM_001009944.3 (MANE Select); coding-DNA position 5885, A replaced by C.
Protein change: p.Gln1962Pro; replaces glutamine 1962 with proline.
Molecular consequence: missense variant.
Genome position (GRCh38, 1-based): chr16:2,109,282, T>G on the plus strand (A>C on the coding strand, the complement: PKD1 is on the minus strand). VCF-style: chr16-2109282-T-G. GRCh37 (hg19) VCF-style: chr16-2159283-T-G.
Other names: c.5885A>C, p.Gln1962Pro (NM_000296.4); short protein forms Q1962P.
Identifiers: ClinVar variation 5019536 (VCV005019536.2).

ClinVar aggregate classification (germline): Uncertain significance (1 of 4 stars; one submission).

Conditions:
Polycystic kidney disease, adult type (PKD1). Also called: Polycystic Kidney Disease 1, Autosomal Dominant; Polycystic kidney disease 1; Polycystic kidney disease 1, severe; POLYCYSTIC KIDNEY DISEASE, ADULT, TYPE I; POLYCYSTIC KIDNEY DISEASE 1 WITH OR WITHOUT POLYCYSTIC LIVER DISEASE; Polycystic Kidney, Autosomal Dominant. Identifiers: MedGen C3149841, MONDO:0008263, OMIM 173900.

Submission:

Juno Genomics, Hangzhou Juno Genomics, Inc
Classification: Uncertain significance for Polycystic kidney disease, adult type. Review status: criteria provided, single submitter. Criteria: ACMG Guidelines, 2015. Collection method: clinical testing. Allele origin: germline.
Comment: Absent from controls (or at extremely low frequency if recessive) in Genome Aggregation Database.;Patient's phenotype or family history is highly specific for a disease with a single genetic etiology.